The following is an entry in ClinVar:

NM_000535.7(PMS2):c.1645G>A (p.Val549Met)

Gene: PMS2 (PMS1 homolog 2, mismatch repair system component; minus strand). Cytogenetic location: 7p22.1.
Variant type: single nucleotide variant.
Coding change: c.1645G>A on transcript NM_000535.7 (MANE Select); coding-DNA position 1645, G replaced by A.
Protein change: p.Val549Met; replaces valine 549 with methionine.
Molecular consequence: missense variant. On other transcripts: non-coding transcript variant (1).
Genome position (GRCh38, 1-based): chr7:5,987,120, C>T on the plus strand (G>A on the coding strand, the complement: PMS2 is on the minus strand). VCF-style: chr7-5987120-C-T. GRCh37 (hg19) VCF-style: chr7-6026751-C-T.
Other names: c.1240G>A, p.Val414Met (NM_001322003.2, NM_001322004.2, NM_001322005.2 and 1 more transcripts); c.1489G>A, p.Val497Met (NM_001322006.2); c.1327G>A, p.Val443Met (NM_001322007.2, NM_001322008.2); c.1084G>A, p.Val362Met (NM_001322010.2); c.712G>A, p.Val238Met (NM_001322011.2, NM_001322012.2); c.1072G>A, p.Val358Met (NM_001322013.2); c.1645G>A, p.Val549Met (NM_001322014.2); c.1336G>A, p.Val446Met (NM_001322015.2); short protein forms V358M, V443M, V549M, V362M, V238M, V446M, V497M, V414M.
Identifiers: ClinVar variation 1408426 (VCV001408426.20), dbSNP rs1199136734, ClinGen allele CA366741403.

ClinVar aggregate classification (germline): Conflicting classifications of pathogenicity. Review status: criteria provided, conflicting classifications (1 of 4 stars). 5 submissions from 5 submitters: Uncertain significance (4); Likely benign (1). Last evaluated 2026-04-24.

Conditions:
Hereditary cancer-predisposing syndrome. Also called: Tumor predisposition; Hereditary neoplastic syndrome; Hereditary Cancer Syndrome; Neoplastic Syndromes, Hereditary. Identifiers: Orphanet 140162, MedGen C0027672, MeSH D009386, MONDO:0015356.
Hereditary nonpolyposis colorectal neoplasms. Identifiers: MedGen C0009405, MeSH D003123.

Allele frequency attached by ClinVar (database versions not stated): gnomAD exomes below 0.00001.
gnomAD v4.1: 1 of 1,614,050 alleles (0.000062%); highest among the groups gnomAD compares: Non-Finnish European, 0.000085%; no homozygotes.

Submissions (5):

Women's Health and Genetics/Laboratory Corporation of America, LabCorp
Classification: Uncertain significance. Last evaluated: 2026-04-24. Review status: criteria provided, single submitter. Criteria: LabCorp Variant Classification Summary - May 2015. Collection method: clinical testing. Allele origin: germline.
Comment: Variant summary: PMS2 c.1645G>A (p.Val549Met) results in a conservative amino acid change in the encoded protein sequence. Algorithms developed to predict the effect of missense changes on protein structure and function all suggest that this variant is likely to be tolerated. The frequency data for this variant in gnomAD is considered unreliable, as metrics indicate poor data quality at this position. c.1645G>A has been observed in at least one individual affected with colorectal cancer (example: Okkels_2019). This report does not provide unequivocal conclusions about association of the variant with Lynch Syndrome. To our knowledge, no experimental evidence demonstrating an impact on protein function has been reported. The following publication has been ascertained in the context of this evaluation (PMID: 31433215). ClinVar contains an entry for this variant (Variation ID: 1408426). Based on the evidence outlined above, the variant was classified as uncertain significance.

Center for Genomic Medicine, Rigshospitalet, Copenhagen University Hospital
Classification: Uncertain significance. Last evaluated: 2025-12-29. Review status: criteria provided, single submitter. Criteria: ACMG Guidelines, 2015. Collection method: clinical testing. Allele origin: germline.

Ambry Genetics
Classification: Likely benign for Hereditary cancer-predisposing syndrome. Last evaluated: 2025-07-17. Review status: criteria provided, single submitter. Criteria: Ambry Variant Classification Scheme 2023. Collection method: clinical testing. Allele origin: germline.

Labcorp Genetics (formerly Invitae), Labcorp
Classification: Uncertain significance for Hereditary nonpolyposis colorectal neoplasms. Last evaluated: 2025-06-22. Review status: criteria provided, single submitter. Criteria: Invitae Variant Classification Sherloc (09022015). Collection method: clinical testing. Allele origin: germline.
Comment: This sequence change replaces valine, which is neutral and non-polar, with methionine, which is neutral and non-polar, at codon 549 of the PMS2 protein (p.Val549Met). This variant is not present in population databases (gnomAD no frequency). This missense change has been observed in individual(s) with clinical features of Lynch syndrome (PMID: 31433215). ClinVar contains an entry for this variant (Variation ID: 1408426). Invitae Evidence Modeling incorporating data from in vitro experimental studies (internal data) indicates that this missense variant is not expected to disrupt PMS2 function with a negative predictive value of 95%. In summary, the available evidence is currently insufficient to determine the role of this variant in disease. Therefore, it has been classified as a Variant of Uncertain Significance.

GeneDx
Classification: Uncertain significance. Last evaluated: 2024-03-10. Review status: criteria provided, single submitter. Criteria: GeneDx Variant Classification Process June 2021. Collection method: clinical testing. Allele origin: germline. Affected: yes.
Comment: Not observed at significant frequency in large population cohorts (gnomAD); In silico analysis supports that this missense variant does not alter protein structure/function; Observed in a patient with colorectal cancer and normal tumor immunohistochemistry (IHC) (PMID: 31433215); This variant is associated with the following publications: (PMID: 34547244, 31433215)

Literature cited by the submitters: PubMed 31433215 (cited by 4 submitters).